The following is an entry in ClinVar:

NM_004369.4(COL6A3):c.6432G>T (p.Glu2144Asp)

Gene: COL6A3 (collagen type VI alpha 3 chain; minus strand). Cytogenetic location: 2q37.3.
Variant type: single nucleotide variant.
Coding change: c.6432G>T on transcript NM_004369.4 (MANE Select); coding-DNA position 6432, G replaced by T.
Protein change: p.Glu2144Asp; replaces glutamic acid 2144 with aspartic acid.
Molecular consequence: missense variant.
Genome position (GRCh38, 1-based): chr2:237,358,560, C>A on the plus strand (G>T on the coding strand, the complement: COL6A3 is on the minus strand). VCF-style: chr2-237358560-C-A. GRCh37 (hg19) VCF-style: chr2-238267203-C-A.
Other names: c.4611G>T, p.Glu1537Asp (NM_057166.5); c.5814G>T, p.Glu1938Asp (NM_057167.4); short protein forms E1537D, E1938D, E2144D.
Identifiers: ClinVar variation 3637475 (VCV003637475.2).

ClinVar aggregate classification (germline): Uncertain significance (1 of 4 stars; one submission).

Conditions:
Bethlem myopathy 1A. Also called: Bethlem myopathy 1; MYOPATHY, BENIGN CONGENITAL, WITH CONTRACTURES; Bethlem Muscular Dystrophy. Identifiers: Orphanet 610, MedGen CN029274, MONDO:0024530, OMIM 158810.

Submission:

Labcorp Genetics (formerly Invitae), Labcorp
Classification: Uncertain significance for Bethlem myopathy 1A. Last evaluated: 2024-07-03. Review status: criteria provided, single submitter. Criteria: Invitae Variant Classification Sherloc (09022015). Collection method: clinical testing. Allele origin: germline.
Comment: This sequence change replaces glutamic acid, which is acidic and polar, with aspartic acid, which is acidic and polar, at codon 2144 of the COL6A3 protein (p.Glu2144Asp). This variant is not present in population databases (gnomAD no frequency). This variant has not been reported in the literature in individuals affected with COL6A3-related conditions. Advanced modeling of protein sequence and biophysical properties (such as structural, functional, and spatial information, amino acid conservation, physicochemical variation, residue mobility, and thermodynamic stability) performed at Invitae indicates that this missense variant is not expected to disrupt COL6A3 protein function with a negative predictive value of 80%. In summary, the available evidence is currently insufficient to determine the role of this variant in disease. Therefore, it has been classified as a Variant of Uncertain Significance.